The following is an entry in ClinVar:

NM_012431.3(SEMA3E):c.358C>T (p.Arg120Trp)

Gene: SEMA3E (semaphorin 3E; minus strand). Cytogenetic location: 7q21.11.
Variant type: single nucleotide variant.
Coding change: c.358C>T on transcript NM_012431.3 (MANE Select); coding-DNA position 358, C replaced by T.
Protein change: p.Arg120Trp; replaces arginine 120 with tryptophan.
Molecular consequence: missense variant.
Genome position (GRCh38, 1-based): chr7:83,466,580, G>A on the plus strand (C>T on the coding strand, the complement: SEMA3E is on the minus strand). VCF-style: chr7-83466580-G-A. GRCh37 (hg19) VCF-style: chr7-83095896-G-A.
Other names: c.178C>T, p.Arg60Trp (NM_001178129.2); short protein forms R60W, R120W.
Identifiers: ClinVar variation 2158064 (VCV002158064.4), dbSNP rs748315427, ClinGen allele CA4322358.
Genomic context (GRCh38, chr7:83,466,580, plus strand): 5'-GATCAAAAGCTCCAGTACCACAGGTCAGAAGGTGTGTCCTGTTATAGTGATGCAAAACCC[G>A]AACATAATTTGCACATTCACCCTAAAGCAGGAAAAAAAGGGAAGGAATCTATCAGTATAA-3'
Protein context (NP_036563.1, residues 110-130): KDAGECANYV[Arg120Trp]VLHHYNRTHL

ClinVar aggregate classification (germline): Uncertain significance (1 of 4 stars; one submission).

Conditions:
CHARGE syndrome (CHARGE). Also called: Hittner Hirsch Kreh syndrome; CHARGE ASSOCIATION--COLOBOMA, HEART ANOMALY, CHOANAL ATRESIA, RETARDATION, GENITAL AND EAR ANOMALIES; Coloboma, heart anomaly, choanal atresia, retardation, genital and ear anomalies; CHARGE association; Hall-Hittner syndrome. Identifiers: Orphanet 138, MedGen C0265354, MONDO:0008965.

Allele frequency attached by ClinVar (database versions not stated): ExAC 0.00001; gnomAD 0.00001; gnomAD exomes 0.00001; TOPMed 0.00001.
gnomAD v4.1: 14 of 1,613,434 alleles (0.00087%); highest among the groups gnomAD compares: East Asian, 0.0022%; no homozygotes.

Submission:

Labcorp Genetics (formerly Invitae), Labcorp
Classification: Uncertain significance for CHARGE syndrome. Last evaluated: 2022-04-28. Review status: criteria provided, single submitter. Criteria: Invitae Variant Classification Sherloc (09022015). Collection method: clinical testing. Allele origin: germline.
Comment: In summary, the available evidence is currently insufficient to determine the role of this variant in disease. Therefore, it has been classified as a Variant of Uncertain Significance. Algorithms developed to predict the effect of missense changes on protein structure and function are either unavailable or do not agree on the potential impact of this missense change (SIFT: "Deleterious"; PolyPhen-2: "Probably Damaging"; Align-GVGD: "Class C0"). This variant has not been reported in the literature in individuals affected with SEMA3E-related conditions. This variant is present in population databases (rs748315427, gnomAD 0.006%). This sequence change replaces arginine, which is basic and polar, with tryptophan, which is neutral and slightly polar, at codon 120 of the SEMA3E protein (p.Arg120Trp).